The following is an entry in ClinVar:

NM_001927.4(DES):c.157G>A (p.Val53Met)

Gene: DES (desmin; plus strand). Cytogenetic location: 2q35.
Variant type: single nucleotide variant.
Coding change: c.157G>A on transcript NM_001927.4 (MANE Select); coding-DNA position 157, G replaced by A.
Protein change: p.Val53Met; replaces valine 53 with methionine.
Molecular consequence: missense variant.
Genome position (GRCh38, 1-based): chr2:219,418,619, G>A. VCF-style: chr2-219418619-G-A. GRCh37 (hg19) VCF-style: chr2-220283341-G-A.
Other names: c.157G>A, p.Val53Met (NM_001382709.1, NM_001382710.1, NM_001382711.1 and 3 more transcripts); short protein forms V53M.
Identifiers: ClinVar variation 962728 (VCV000962728.10), dbSNP rs1393972560, ClinGen allele CA350683452.
Genomic context (GRCh38, chr2:219,418,619, plus strand): 5'-CCCGTGTTCCCGCGGGCGGGTTTCGGCTCTAAGGGCTCCTCCAGCTCGGTGACGTCCCGC[G>A]TGTACCAGGTGTCGCGCACGTCGGGCGGGGCCGGGGGCCTGGGGTCGCTGCGGGCCAGCC-3'
Protein context (NP_001918.3, residues 43-63): KGSSSSVTSR[Val53Met]YQVSRTSGGA

ClinVar aggregate classification (germline): Uncertain significance (1 of 4 stars; one submission).

Conditions:
Desmin-related myofibrillar myopathy (MFM1). Also called: Desmin related myopathy (former name); Desminopathy; Desmin storage myopathy (former name); Myofibrillar myopathy 1; MYOFIBRILLAR MYOPATHY WITH ARRHYTHMOGENIC RIGHT VENTRICULAR CARDIOMYOPATHY; DESMIN-RELATED MYOPATHY WITH ARRHYTHMOGENIC RIGHT VENTRICULAR CARDIOMYOPATHY. Identifiers: Orphanet 363543, Orphanet 98909, MedGen C1832370, MONDO:0011076, OMIM 601419.

Allele frequency attached by ClinVar (database versions not stated): gnomAD exomes below 0.00001 and 0.00001; gnomAD 0.00001; TOPMed 0.00001; 1000 Genomes Project 30x 0.00031.
gnomAD v4.1: 4 of 1,602,214 alleles (0.00025%); highest among the groups gnomAD compares: Admixed American, 0.0017%; no homozygotes.

Submission:

Labcorp Genetics (formerly Invitae), Labcorp
Classification: Uncertain significance for Desmin-related myofibrillar myopathy. Last evaluated: 2025-11-03. Review status: criteria provided, single submitter. Criteria: Invitae Variant Classification Sherloc (09022015). Collection method: clinical testing. Allele origin: germline.
Comment: This sequence change replaces valine, which is neutral and non-polar, with methionine, which is neutral and non-polar, at codon 53 of the DES protein (p.Val53Met). The frequency data for this variant in the population databases is considered unreliable, as metrics indicate poor data quality at this position in the gnomAD database. This variant has not been reported in the literature in individuals affected with DES-related conditions. ClinVar contains an entry for this variant (Variation ID: 962728). Invitae Evidence Modeling of protein sequence and biophysical properties (such as structural, functional, and spatial information, amino acid conservation, physicochemical variation, residue mobility, and thermodynamic stability) has been performed for this missense variant. However, the output from this modeling did not meet the statistical confidence thresholds required to predict the impact of this variant on DES protein function. In summary, the available evidence is currently insufficient to determine the role of this variant in disease. Therefore, it has been classified as a Variant of Uncertain Significance.